The following is an entry in ClinVar:

NM_004973.4(JARID2):c.1873G>A (p.Val625Met)

Gene: JARID2 (jumonji and AT-rich interaction domain containing 2; plus strand). Cytogenetic location: 6p22.3.
Variant type: single nucleotide variant.
Coding change: c.1873G>A on transcript NM_004973.4 (MANE Select); coding-DNA position 1873, G replaced by A.
Protein change: p.Val625Met; replaces valine 625 with methionine.
Molecular consequence: missense variant.
Genome position (GRCh38, 1-based): chr6:15,497,098, G>A. VCF-style: chr6-15497098-G-A. GRCh37 (hg19) VCF-style: chr6-15497329-G-A.
Other names: c.1357G>A, p.Val453Met (NM_001267040.1); short protein forms V453M, V625M.
Identifiers: ClinVar variation 3343931 (VCV003343931.1).

ClinVar aggregate classification (germline): Uncertain significance (1 of 4 stars; one submission).

Submission:

GeneDx
Classification: Uncertain significance. Last evaluated: 2024-03-05. Review status: criteria provided, single submitter. Criteria: GeneDx Variant Classification Process June 2021. Collection method: clinical testing. Allele origin: germline. Affected: yes.
Comment: Not observed at significant frequency in large population cohorts (gnomAD); In silico analysis supports that this missense variant does not alter protein structure/function; Has not been previously published as pathogenic or benign to our knowledge